The following is an entry in ClinVar:

ClinVar aggregate classification (germline): Benign. Review status: criteria provided, single submitter (1 of 4 stars). 2 submissions from 2 submitters: Benign (1). 1 of the submissions does not count toward it. Last evaluated 2023-11-01.

Conditions:
RECQL5-related disorder. Also called: RECQL5-related condition.

Allele frequency attached by ClinVar (database versions not stated): 1000 Genomes Project 0.00699; 1000 Genomes Project 30x 0.00703; TOPMed 0.00815; ESP Exome Variant Server 0.01015; ExAC 0.01210; gnomAD 0.01229.

Submissions (2):

CeGaT Center for Human Genetics Tuebingen
Classification: Benign. Last evaluated: 2023-11-01. Review status: criteria provided, single submitter. Criteria: CeGaT Center For Human Genetics Tuebingen Variant Classification Criteria Version 2. Collection method: clinical testing. Allele origin: germline. Affected: yes. Observed: 1 variant allele.
Comment: RECQL5: BP4, BS1, BS2

PreventionGenetics, part of Exact Sciences
Classification: Benign for RECQL5-related condition. Last evaluated: 2019-10-31. Review status: no assertion criteria provided. Collection method: clinical testing. Allele origin: germline. Not counted in ClinVar's aggregate classification.
Comment: This variant is classified as benign based on ACMG/AMP sequence variant interpretation guidelines (Richards et al. 2015 PMID: 25741868, with internal and published modifications).

NM_004259.7(RECQL5):c.1883G>A (p.Ser628Asn)

Gene: RECQL5 (RecQ like helicase 5; minus strand). Cytogenetic location: 17q25.1.
Variant type: single nucleotide variant.
Coding change: c.1883G>A on transcript NM_004259.7 (MANE Select); coding-DNA position 1883, G replaced by A.
Protein change: p.Ser628Asn; replaces serine 628 with asparagine.
Molecular consequence: missense variant.
Genome position (GRCh38, 1-based): chr17:75,629,772, C>T on the plus strand (G>A on the coding strand, the complement: RECQL5 is on the minus strand). VCF-style: chr17-75629772-C-T. GRCh37 (hg19) VCF-style: chr17-73625852-C-T.
Other names: c.1883G>A (NM_004259.6); short protein forms S628N.
Identifiers: ClinVar variation 2672711 (VCV002672711.24), dbSNP rs35566780, ClinGen allele CA8767238.